The following is an entry in ClinVar:

NM_001267550.2(TTN):c.8108A>C (p.Lys2703Thr)

Gene: TTN (titin; minus strand). Cytogenetic location: 2q31.2.
Variant type: single nucleotide variant.
Coding change: c.8108A>C on transcript NM_001267550.2 (MANE Select); coding-DNA position 8108, A replaced by C.
Protein change: p.Lys2703Thr; replaces lysine 2703 with threonine.
Molecular consequence: missense variant.
Genome position (GRCh38, 1-based): chr2:178,771,219, T>G on the plus strand (A>C on the coding strand, the complement: TTN is on the minus strand). VCF-style: chr2-178771219-T-G. GRCh37 (hg19) VCF-style: chr2-179635946-T-G.
Other names: c.8108A>C, p.Lys2703Thr (NM_001256850.1, NM_133378.4, NM_133379.5); c.7970A>C, p.Lys2657Thr (NM_003319.4, NM_133432.3, NM_133437.4); short protein forms K2657T, K2703T.
Identifiers: ClinVar variation 1329210 (VCV001329210.3), dbSNP rs2091436696, ClinGen allele CA349678212.

ClinVar aggregate classification (germline): Uncertain significance. Review status: criteria provided, multiple submitters, no conflicts (2 of 4 stars). 2 submissions from 2 submitters: Uncertain significance (2). Last evaluated 2022-04-11.

Conditions:
Cardiomyopathy (CMYO). Also called: Cardiomyopathies. Identifiers: Orphanet 167848, MedGen C0878544, MONDO:0004994, HP:0001638. Inheritance: Various modes of inheritance.

Allele frequency attached by ClinVar (database versions not stated): gnomAD exomes below 0.00001.
gnomAD v4.1: 1 of 1,614,024 alleles (0.000062%); highest among the groups gnomAD compares: South Asian, 0.0011%; no homozygotes.

Submissions (2):

Women's Health and Genetics/Laboratory Corporation of America, LabCorp
Classification: Uncertain significance. Last evaluated: 2022-04-11. Review status: criteria provided, single submitter. Criteria: LabCorp Variant Classification Summary - May 2015. Collection method: clinical testing. Allele origin: germline.
Comment: Variant summary: TTN c.8108A>C (p.Lys2703Thr) results in a non-conservative amino acid change located in the I-band of the encoded protein sequence. Four of five in-silico tools predict a damaging effect of the variant on protein function. The variant was absent in 251162 control chromosomes (gnomAD). The available data on variant occurrences in the general population are insufficient to allow any conclusion about variant significance. To our knowledge, no occurrence of c.8108A>C in individuals affected with Dilated Cardiomyopathy and no experimental evidence demonstrating its impact on protein function have been reported. One clinical diagnostic laboratory has submitted clinical-significance assessments for this variant to ClinVar after 2014 without evidence for independent evaluation and classified the variant as uncertain significance. Based on the evidence outlined above, the variant was classified as uncertain significance.

CHEO Genetics Diagnostic Laboratory, Children's Hospital of Eastern Ontario
Classification: Uncertain significance for Cardiomyopathy. Last evaluated: 2021-04-29. Review status: criteria provided, single submitter. Criteria: ACMG Guidelines, 2015. Collection method: clinical testing. Allele origin: germline.